The following is an entry in ClinVar:

ClinVar aggregate classification (germline): Likely benign. Review status: criteria provided, multiple submitters, no conflicts (2 of 4 stars). 5 submissions from 5 submitters: Likely benign (4). 1 of the submissions does not count toward it. Last evaluated 2026-01-18.

Conditions:
ADAMTS10-related disorder. Also called: ADAMTS10-related condition.
Weill-Marchesani syndrome. Also called: WM Syndrome; Mesodermal dysmorphodystrophy congenital. Identifiers: Orphanet 3449, MedGen C0265313, MONDO:0018096.

Allele frequency attached by ClinVar (database versions not stated): gnomAD exomes 0.00018 and 0.00040; ExAC 0.00058; ESP Exome Variant Server 0.00146; gnomAD 0.00186 and 0.00203; 1000 Genomes Project 0.00220; TOPMed 0.00225; 1000 Genomes Project 30x 0.00234.

Submissions (5):

Labcorp Genetics (formerly Invitae), Labcorp
Classification: Likely benign. Last evaluated: 2026-01-18. Review status: criteria provided, single submitter. Criteria: Invitae Variant Classification Sherloc (09022015). Collection method: clinical testing. Allele origin: germline.

Blueprint Genetics
Classification: Likely benign. Last evaluated: 2024-11-19. Review status: criteria provided, single submitter. Criteria: ACMG Guidelines, 2015. Collection method: clinical testing. Allele origin: germline.

Illumina Laboratory Services, Illumina
Classification: Likely benign for Weill-Marchesani syndrome. Last evaluated: 2018-01-12. Review status: criteria provided, single submitter. Criteria: ICSL Variant Classification Criteria 13 December 2019. Collection method: clinical testing. Allele origin: germline.
Comment: This variant was observed in the ICSL laboratory as part of a predisposition screen in an ostensibly healthy population. It had not been previously curated by ICSL or reported in the Human Gene Mutation Database (HGMD: prior to June 1st, 2018), and was therefore a candidate for classification through an automated scoring system. Utilizing variant allele frequency, disease prevalence and penetrance estimates, and inheritance mode, an automated score was calculated to assess if this variant is too frequent to cause the disease. Based on the score and internal cut-off values, a variant classified as likely benign is not then subjected to further curation. The score for this variant resulted in a classification of likely benign for this disease.

Breakthrough Genomics
Classification: Likely benign. Review status: criteria provided, single submitter. Criteria: ACMG Guidelines, 2015. Collection method: not provided. Allele origin: germline. Inheritance: Autosomal recessive inheritance. Affected: yes.

PreventionGenetics, part of Exact Sciences
Classification: Likely benign for ADAMTS10-related condition. Last evaluated: 2019-07-23. Review status: no assertion criteria provided. Collection method: clinical testing. Allele origin: germline. Not counted in ClinVar's aggregate classification.
Comment: This variant is classified as likely benign based on ACMG/AMP sequence variant interpretation guidelines (Richards et al. 2015 PMID: 25741868, with internal and published modifications).

NM_030957.4(ADAMTS10):c.2261C>T (p.Ser754Phe)

Gene: ADAMTS10 (ADAM metallopeptidase with thrombospondin type 1 motif 10; minus strand). Cytogenetic location: 19p13.2.
Variant type: single nucleotide variant.
Coding change: c.2261C>T on transcript NM_030957.4 (MANE Select); coding-DNA position 2261, C replaced by T.
Protein change: p.Ser754Phe; replaces serine 754 with phenylalanine.
Molecular consequence: missense variant.
Genome position (GRCh38, 1-based): chr19:8,586,700, G>A on the plus strand (C>T on the coding strand, the complement: ADAMTS10 is on the minus strand). VCF-style: chr19-8586700-G-A. GRCh37 (hg19) VCF-style: chr19-8651584-G-A.
Other names: c.722C>T, p.Ser241Phe (NM_001282352.2); short protein forms S754F, S241F.
Identifiers: ClinVar variation 330588 (VCV000330588.19), dbSNP rs142353301, ClinGen allele CA9160151.